The following is an entry in ClinVar:

ClinVar aggregate classification (germline): Uncertain significance (1 of 4 stars; one submission).

Submission:

GeneDx
Classification: Uncertain significance. Last evaluated: 2025-07-01. Review status: criteria provided, single submitter. Criteria: GeneDx Variant Classification Process June 2021. Collection method: clinical testing. Allele origin: germline. Affected: yes.
Comment: Not observed at significant frequency in large population cohorts (gnomAD); In silico analysis supports that this missense variant has a deleterious effect on protein structure/function; Has not been previously published as pathogenic or benign to our knowledge

NM_017934.7(PHIP):c.3066A>T (p.Lys1022Asn)

Genes: IRAK1BP1 (interleukin 1 receptor associated kinase 1 binding protein 1; plus strand), PHIP (PHIP subunit of CUL4-Ring ligase complex; minus strand). Cytogenetic location: 6q14.1.
Variant type: single nucleotide variant.
Coding change: c.3066A>T on transcript NM_017934.7 (MANE Select); coding-DNA position 3066, A replaced by T.
Protein change: p.Lys1022Asn; replaces lysine 1022 with asparagine.
Molecular consequence: missense variant.
Genome position (GRCh38, 1-based): chr6:78,970,105, T>A on the plus strand (A>T on the coding strand, the complement: PHIP is on the minus strand). VCF-style: chr6-78970105-T-A. GRCh37 (hg19) VCF-style: chr6-79679822-T-A.
Other names: short protein forms K1022N.
Identifiers: ClinVar variation 4681120 (VCV004681120.1).